The following is an entry in ClinVar:

NM_016030.6(TRAPPC12):c.1164+5G>A

Gene: TRAPPC12 (trafficking protein particle complex subunit 12; plus strand). Cytogenetic location: 2p25.3.
Variant type: single nucleotide variant.
Coding change: c.1164+5G>A on transcript NM_016030.6 (MANE Select); 5 bases into the intron after coding-DNA position 1164, G replaced by A.
Molecular consequence: intron variant.
Genome position (GRCh38, 1-based): chr2:3,401,898, G>A. VCF-style: chr2-3401898-G-A. GRCh37 (hg19) VCF-style: chr2-3405669-G-A.
Other names: c.1164+5G>A (NM_001321102.2).
Identifiers: ClinVar variation 5001378 (VCV005001378.1).

ClinVar aggregate classification (germline): Uncertain significance (1 of 4 stars; one submission).

Conditions:
TRAPPC12-related disorder. Also called: TRAPPC12-related condition.

Submission:

PreventionGenetics, part of Exact Sciences
Classification: Uncertain significance for TRAPPC12-related condition. Last evaluated: 2024-11-06. Review status: criteria provided, single submitter. Criteria: ACMG Guidelines, 2015. Collection method: clinical testing. Allele origin: germline.
Comment: The TRAPPC12 c.1164+5G>A variant is predicted to interfere with splicing. To our knowledge, this variant has not been reported in the literature or in a large population database (gnomAD), indicating this variant is rare. Although we suspect that this variant may be pathogenic, at this time, the clinical significance of this variant is uncertain due to the absence of conclusive functional and genetic evidence.